The following is an entry in ClinVar:

ClinVar aggregate classification (germline): Likely pathogenic (1 of 4 stars; one submission).

Conditions:
Intellectual disability, CASK-related, X-linked. Identifiers: MedGen CN043158.

Submission:

Labcorp Genetics (formerly Invitae), Labcorp
Classification: Likely pathogenic for Intellectual disability, CASK-related, X-linked. Last evaluated: 2023-07-28. Review status: criteria provided, single submitter. Criteria: Invitae Variant Classification Sherloc (09022015). Collection method: clinical testing. Allele origin: unknown.
Comment: This variant results in a copy number gain of the genomic region encompassing exon(s) 6-21 of the CASK gene. While the exact position of this variant cannot be determined from the data, sub-genic copy number gains are generally in tandem (PMID: 25640679). This variant is predicted to be out-of-frame, and may result in an absent or disrupted protein product. Loss-of-function variants in CASK are known to be pathogenic (PMID: 19165920, 20029458, 21954287, 22452838, 22709267). This variant has not been reported in the literature in individuals affected with CASK-related conditions. In summary, the currently available evidence indicates that the variant is pathogenic, but additional data are needed to prove that conclusively. Therefore, this variant has been classified as Likely Pathogenic.

Literature cited by the submitters: PubMed 25640679; PubMed 19165920; PubMed 20029458; PubMed 21954287; PubMed 22452838; PubMed 22709267.

NC_000023.10:g.(?_41412952)_(41530803_?)dup

Gene: CASK (calcium/calmodulin dependent serine protein kinase; minus strand). Cytogenetic location: Xp11.4.
Variant type: Duplication.
Identifiers: ClinVar variation 3245373 (VCV003245373.1).